The following is an entry in ClinVar:

NM_017791.3(FLVCR2):c.1474C>T (p.Arg492Trp)

Gene: FLVCR2 (FLVCR choline and putative heme transporter 2; plus strand). Cytogenetic location: 14q24.3.
Variant type: single nucleotide variant.
Coding change: c.1474C>T on transcript NM_017791.3 (MANE Select); coding-DNA position 1474, C replaced by T.
Protein change: p.Arg492Trp; replaces arginine 492 with tryptophan.
Molecular consequence: missense variant.
Genome position (GRCh38, 1-based): chr14:75,641,863, C>T. VCF-style: chr14-75641863-C-T. GRCh37 (hg19) VCF-style: chr14-76108206-C-T.
Other names: c.859C>T, p.Arg287Trp (NM_001195283.2); short protein forms R492W, R287W.
Identifiers: ClinVar variation 314419 (VCV000314419.10), dbSNP rs139495418, ClinGen allele CA7278570.

ClinVar aggregate classification (germline): Uncertain significance. Review status: criteria provided, multiple submitters, no conflicts (2 of 4 stars). 3 submissions from 3 submitters: Uncertain significance (3). Last evaluated 2022-07-21.

Conditions:
Posterior column ataxia-retinitis pigmentosa syndrome (RETSNS). Also called: RETINOPATHY-SENSORY NEUROPATHY SYNDROME. Identifiers: Orphanet 88628, MedGen C1836916, MONDO:0012177, OMIM 609033.

Allele frequency attached by ClinVar (database versions not stated): gnomAD 0.00001 and 0.00002; TOPMed 0.00003; gnomAD exomes 0.00005 and 0.00006; ExAC 0.00007; ESP Exome Variant Server 0.00008.
gnomAD v4.1: 86 of 1,614,096 alleles (0.0053%); highest among the groups gnomAD compares: South Asian, 0.013%; no homozygotes.

Submissions (3):

Labcorp Genetics (formerly Invitae), Labcorp
Classification: Uncertain significance. Last evaluated: 2022-07-21. Review status: criteria provided, single submitter. Criteria: Invitae Variant Classification Sherloc (09022015). Collection method: clinical testing. Allele origin: germline.
Comment: This variant is present in population databases (rs139495418, gnomAD 0.01%). In summary, the available evidence is currently insufficient to determine the role of this variant in disease. Therefore, it has been classified as a Variant of Uncertain Significance. Algorithms developed to predict the effect of missense changes on protein structure and function are either unavailable or do not agree on the potential impact of this missense change (SIFT: "Tolerated"; PolyPhen-2: "Possibly Damaging"; Align-GVGD: "Class C0"). ClinVar contains an entry for this variant (Variation ID: 314419). This variant has not been reported in the literature in individuals affected with FLVCR2-related conditions. This sequence change replaces arginine, which is basic and polar, with tryptophan, which is neutral and slightly polar, at codon 492 of the FLVCR2 protein (p.Arg492Trp).

Illumina Laboratory Services, Illumina
Classification: Uncertain significance for Posterior column ataxia-retinitis pigmentosa syndrome. Last evaluated: 2018-01-13. Review status: criteria provided, single submitter. Criteria: ICSL Variant Classification Criteria 13 December 2019. Collection method: clinical testing. Allele origin: germline.

Breakthrough Genomics
Classification: Uncertain significance. Review status: criteria provided, single submitter. Criteria: ACMG Guidelines, 2015. Collection method: not provided. Allele origin: germline. Inheritance: Autosomal recessive inheritance. Affected: yes.